The following is an entry in ClinVar:

ClinVar aggregate classification (germline): Uncertain significance. Review status: reviewed by expert panel (3 of 4 stars). 2 submissions from 2 submitters: Uncertain significance (1). 1 of the submissions does not count toward it. Last evaluated 2024-07-17.

Conditions:
Hereditary thrombocytopenia and hematologic cancer predisposition syndrome. Identifiers: Orphanet 71290, MedGen CN281654, MONDO:0011071.
Hereditary thrombocytopenia and hematological cancer predisposition syndrome associated with RUNX1. Also called: RUNX1 Familial Platelet Disorder with Associated Myeloid Malignancies; Familial Platelet Disorder with Propensity to Acute Myelogenous Leukemia; Familial thrombocytopenia with propensity to acute myelogenous leukemia; PLATELET DISORDER, ASPIRIN-LIKE. Identifiers: Orphanet 71290, MedGen C1832388, MeSH C563324, MONDO:0100083, OMIM 601399.

Allele frequency attached by ClinVar (database versions not stated): gnomAD exomes below 0.00001; TOPMed 0.00001; gnomAD 0.00002.
gnomAD v4.1: 5 of 1,597,812 alleles (0.00031%); highest among the groups gnomAD compares: Non-Finnish European, 0.00042%; no homozygotes.

Submissions (2):

ClinGen Myeloid Malignancy Variant Curation Expert Panel
Classification: Uncertain significance for Hereditary thrombocytopenia and hematologic cancer predisposition syndrome. Last evaluated: 2024-07-17. Review status: reviewed by expert panel. Criteria: ClinGen MyeloMalig ACMG Specifications v2. Collection method: curation. Allele origin: germline. Inheritance: Autosomal dominant inheritance.
Comment: NM_001754.5(RUNX1):c.98-17G>A is located in the upstream, untranslated region of RUNX1. This variant is not predicted to impact splicing, as indicated by a SpliceAI score of 0 (<0.20) (BP4). In summary, the clinical significance of this variant is uncertain. ACMG/AMP criteria have been applied, as specified by the Myeloid Malignancy Variant Curation Expert Panel for RUNX1: BP4.

Labcorp Genetics (formerly Invitae), Labcorp
Classification: Likely benign for Hereditary thrombocytopenia and hematological cancer predisposition syndrome associated with RUNX1. Last evaluated: 2023-05-04. Review status: criteria provided, single submitter. Criteria: Invitae Variant Classification Sherloc (09022015). Collection method: clinical testing. Allele origin: germline. Not counted in ClinVar's aggregate classification.

NM_001754.5(RUNX1):c.98-17G>A

Gene: RUNX1 (RUNX family transcription factor 1; minus strand). Cytogenetic location: 21q22.12.
Variant type: single nucleotide variant.
Coding change: c.98-17G>A on transcript NM_001754.5 (MANE Select); 17 bases into the intron before coding-DNA position 98, G replaced by A.
Molecular consequence: intron variant. On other transcripts: 5 prime UTR variant (2).
Genome position (GRCh38, 1-based): chr21:34,887,113, C>T on the plus strand (G>A on the coding strand, the complement: RUNX1 is on the minus strand). VCF-style: chr21-34887113-C-T. GRCh37 (hg19) VCF-style: chr21-36259410-C-T.
Other names: c.-1G>A (NM_001001890.3, NM_001122607.2).
Identifiers: ClinVar variation 1533052 (VCV001533052.9), dbSNP rs1190196552, ClinGen allele CA638054611.